The following is an entry in ClinVar:

ClinVar aggregate classification (germline): Uncertain significance. Review status: criteria provided, multiple submitters, no conflicts (2 of 4 stars). 2 submissions from 2 submitters: Uncertain significance (2). Last evaluated 2026-01-05.

Conditions:
Hereditary cancer-predisposing syndrome. Also called: Tumor predisposition; Hereditary Cancer Syndrome; Hereditary neoplastic syndrome; Neoplastic Syndromes, Hereditary. Identifiers: Orphanet 140162, MedGen C0027672, MeSH D009386, MONDO:0015356.
POLD1-related polyposis and colorectal cancer syndrome (CRCS10). Also called: Colorectal cancer 10; COLORECTAL CANCER, SUSCEPTIBILITY TO, ON CHROMOSOME 19q; Colorectal cancer, susceptibility to, 10. Identifiers: Orphanet 220460, MedGen C2675481, MONDO:0012953, OMIM 612591.

Allele frequency attached by ClinVar (database versions not stated): TOPMed below 0.00001.

Submissions (2):

Labcorp Genetics (formerly Invitae), Labcorp
Classification: Uncertain significance for POLD1-related polyposis and colorectal cancer syndrome. Last evaluated: 2026-01-05. Review status: criteria provided, single submitter. Criteria: Invitae Variant Classification Sherloc (09022015). Collection method: clinical testing. Allele origin: germline.
Comment: This sequence change replaces threonine, which is neutral and polar, with alanine, which is neutral and non-polar, at codon 888 of the POLD1 protein (p.Thr888Ala). This variant is not present in population databases (gnomAD no frequency). This variant has not been reported in the literature in individuals affected with POLD1-related conditions. ClinVar contains an entry for this variant (Variation ID: 1022304). Invitae Evidence Modeling of protein sequence and biophysical properties (such as structural, functional, and spatial information, amino acid conservation, physicochemical variation, residue mobility, and thermodynamic stability) indicates that this missense variant is not expected to disrupt POLD1 protein function with a negative predictive value of 80%. In summary, the available evidence is currently insufficient to determine the role of this variant in disease. Therefore, it has been classified as a Variant of Uncertain Significance.

Ambry Genetics
Classification: Uncertain significance for Hereditary cancer-predisposing syndrome. Last evaluated: 2024-06-02. Review status: criteria provided, single submitter. Criteria: Ambry Variant Classification Scheme 2023. Collection method: clinical testing. Allele origin: germline.
Comment: The p.T888A variant (also known as c.2662A>G), located in coding exon 20 of the POLD1 gene, results from an A to G substitution at nucleotide position 2662. The threonine at codon 888 is replaced by alanine, an amino acid with similar properties. This amino acid position is conserved. In addition, this alteration is predicted to be tolerated by in silico analysis. Based on the available evidence, the clinical significance of this variant remains unclear.

NM_002691.4(POLD1):c.2662A>G (p.Thr888Ala)

Gene: POLD1 (DNA polymerase delta 1, catalytic subunit; plus strand). Cytogenetic location: 19q13.33.
Variant type: single nucleotide variant.
Coding change: c.2662A>G on transcript NM_002691.4 (MANE Select); coding-DNA position 2662, A replaced by G.
Protein change: p.Thr888Ala; replaces threonine 888 with alanine.
Molecular consequence: missense variant. On other transcripts: non-coding transcript variant (1).
Genome position (GRCh38, 1-based): chr19:50,415,535, A>G. VCF-style: chr19-50415535-A-G. GRCh37 (hg19) VCF-style: chr19-50918792-A-G.
Other names: c.2740A>G, p.Thr914Ala (NM_001308632.1); c.2662A>G, p.Thr888Ala (NM_001256849.1); c.2662A>G (NM_002691.2); short protein forms T888A, T914A.
Identifiers: ClinVar variation 1022304 (VCV001022304.9), dbSNP rs2039248298, ClinGen allele CA406985577.